The following is an entry in ClinVar:

ClinVar aggregate classification (germline): Uncertain significance. Review status: criteria provided, multiple submitters, no conflicts (2 of 4 stars). 3 submissions from 3 submitters: Uncertain significance (3). Last evaluated 2026-01-19.

Conditions:
Inborn genetic diseases. Identifiers: MedGen C0950123, MeSH D030342.
Congenital myasthenic syndrome 8. Also called: MYASTHENIC SYNDROME, CONGENITAL, DUE TO AGRIN DEFICIENCY; Myasthenic syndrome, congenital, 8, with pre- and postsynaptic defects. Identifiers: Orphanet 590, MedGen C3808739, MONDO:0014052, OMIM 615120.

Allele frequency attached by ClinVar (database versions not stated): gnomAD 0.00003; gnomAD exomes 0.00006 and 0.00019; TOPMed 0.00019; ExAC 0.00020.
gnomAD v4.1: 82 of 1,604,874 alleles (0.0051%); highest among the groups gnomAD compares: Admixed American, 0.078%; no homozygotes.

Submissions (3):

Labcorp Genetics (formerly Invitae), Labcorp
Classification: Uncertain significance for Congenital myasthenic syndrome 8. Last evaluated: 2026-01-19. Review status: criteria provided, single submitter. Criteria: Invitae Variant Classification Sherloc (09022015). Collection method: clinical testing. Allele origin: germline.
Comment: This sequence change replaces threonine, which is neutral and polar, with methionine, which is neutral and non-polar, at codon 1040 of the AGRN protein (p.Thr1040Met). This variant is present in population databases (rs751987634, gnomAD 0.1%). This variant has not been reported in the literature in individuals affected with AGRN-related conditions. ClinVar contains an entry for this variant (Variation ID: 541161). An algorithm developed to predict the effect of missense changes on protein structure and function (PolyPhen-2) suggests that this variant is likely to be disruptive. In summary, the available evidence is currently insufficient to determine the role of this variant in disease. Therefore, it has been classified as a Variant of Uncertain Significance.

Ambry Genetics
Classification: Uncertain significance for Inborn genetic diseases. Last evaluated: 2025-08-20. Review status: criteria provided, single submitter. Criteria: Ambry Variant Classification Scheme 2023. Collection method: clinical testing. Allele origin: germline.

Baylor Genetics
Classification: Uncertain significance for Congenital myasthenic syndrome 8. Last evaluated: 2018-02-28. Review status: criteria provided, single submitter. Criteria: ACMG Guidelines, 2015. Collection method: clinical testing. Allele origin: paternal. Affected: yes.
Comment: This variant was determined to be of uncertain significance according to ACMG Guidelines, 2015 [PMID:25741868].

NM_198576.4(AGRN):c.3119C>T (p.Thr1040Met)

Gene: AGRN (agrin; plus strand). Cytogenetic location: 1p36.33.
Variant type: single nucleotide variant.
Coding change: c.3119C>T on transcript NM_198576.4 (MANE Select); coding-DNA position 3119, C replaced by T.
Protein change: p.Thr1040Met; replaces threonine 1040 with methionine.
Molecular consequence: missense variant.
Genome position (GRCh38, 1-based): chr1:1,046,604, C>T. VCF-style: chr1-1046604-C-T. GRCh37 (hg19) VCF-style: chr1-981984-C-T.
Other names: c.3119C>T, p.Thr1040Met (NM_001305275.2); c.2804C>T, p.Thr935Met (NM_001364727.2); short protein forms T1040M, T935M.
Identifiers: ClinVar variation 541161 (VCV000541161.9), dbSNP rs751987634, ClinGen allele CA508955.